The following is an entry in ClinVar:

NM_000297.4(PKD2):c.2019+3A>G

Gene: PKD2 (polycystin 2, transient receptor potential cation channel; plus strand). Cytogenetic location: 4q22.1.
Variant type: single nucleotide variant.
Coding change: c.2019+3A>G on transcript NM_000297.4 (MANE Select); 3 bases into the intron after coding-DNA position 2019, A replaced by G.
Molecular consequence: intron variant.
Genome position (GRCh38, 1-based): chr4:88,058,106, A>G. VCF-style: chr4-88058106-A-G. GRCh37 (hg19) VCF-style: chr4-88979258-A-G.
Identifiers: ClinVar variation 1342891 (VCV001342891.3), dbSNP rs2110129703, ClinGen allele CA2573052375.
Genomic context (GRCh38, chr4:88,058,106, plus strand): 5'-AGTTTTGGGACCAATTTATTTCACTACATTTGTGTTCTTTATGTTCTTCATTCTTTTGGT[A>G]TGTACATTTTTATTTATAGTGAGGTTCAATTTAAACTTCGTAAATCCTTGTCTTCTCTTT-3'

ClinVar aggregate classification (germline): Uncertain significance (1 of 4 stars; one submission).

Conditions:
Polycystic kidney disease 2 (PKD2). Also called: POLYCYSTIC KIDNEY DISEASE 2 WITH OR WITHOUT POLYCYSTIC LIVER DISEASE; Polycystic Kidney Disease 2, Autosomal Dominant; POLYCYSTIC KIDNEY DISEASE, ADULT, TYPE II. Identifiers: MedGen C2751306, MONDO:0013131, OMIM 613095.

Submission:

Institute of Human Genetics, University of Leipzig Medical Center
Classification: Uncertain significance for Polycystic kidney disease 2. Last evaluated: 2022-02-08. Review status: criteria provided, single submitter. Criteria: ACMG Guidelines, 2015. Collection method: clinical testing. Allele origin: unknown. Inheritance: Autosomal dominant inheritance. Affected: yes.
Comment: Criteria applied: PM2_SUP,PP3